The following is an entry in ClinVar:

NM_001122955.4(BSCL2):c.55G>A (p.Gly19Arg)

Genes: BSCL2 (BSCL2 lipid droplet biogenesis associated, seipin; minus strand), GNG3 (G protein subunit gamma 3; plus strand), HNRNPUL2-BSCL2 (HNRNPUL2-BSCL2 readthrough (NMD candidate); minus strand). Cytogenetic location: 11q12.3.
Variant type: single nucleotide variant.
Coding change: c.55G>A on transcript NM_001122955.4 (MANE Select); coding-DNA position 55, G replaced by A.
Protein change: p.Gly19Arg; replaces glycine 19 with arginine.
Molecular consequence: missense variant. On other transcripts: non-coding transcript variant (1).
Genome position (GRCh38, 1-based): chr11:62,707,141, C>T on the plus strand (G>A on the coding strand, the complement: BSCL2 is on the minus strand). VCF-style: chr11-62707141-C-T. GRCh37 (hg19) VCF-style: chr11-62474613-C-T.
Other names: c.55G>A, p.Gly19Arg (NM_001386027.1, NM_001386028.1); short protein forms G19R.
Identifiers: ClinVar variation 3904854 (VCV003904854.10).

ClinVar aggregate classification (germline): Likely benign (1 of 4 stars; one submission).

gnomAD v4.1: 448 of 1,554,652 alleles (0.029%); highest among the groups gnomAD compares: East Asian, 1.1%; 4 homozygotes.

Submission:

CeGaT Center for Human Genetics Tuebingen
Classification: Likely benign. Last evaluated: 2025-05-01. Review status: criteria provided, single submitter. Criteria: CeGaT Center For Human Genetics Tuebingen Variant Classification Criteria Version 2. Collection method: clinical testing. Allele origin: germline. Affected: yes. Observed: 1 variant allele.
Comment: BSCL2: BP4, BS1